The following is an entry in ClinVar:

NM_000548.5(TSC2):c.5369T>G (p.Val1790Gly)

Gene: TSC2 (TSC complex subunit 2; plus strand). Cytogenetic location: 16p13.3.
Variant type: single nucleotide variant.
Coding change: c.5369T>G on transcript NM_000548.5 (MANE Select); coding-DNA position 5369, T replaced by G.
Protein change: p.Val1790Gly; replaces valine 1790 with glycine.
Molecular consequence: missense variant.
Genome position (GRCh38, 1-based): chr16:2,088,555, T>G. VCF-style: chr16-2088555-T-G. GRCh37 (hg19) VCF-style: chr16-2138556-T-G.
Other names: c.5168T>G, p.Val1723Gly (NM_001077183.3); c.5300T>G, p.Val1767Gly (NM_001114382.3); c.5060T>G, p.Val1687Gly (NM_001318827.2); c.5024T>G, p.Val1675Gly (NM_001318829.2); c.4637T>G, p.Val1546Gly (NM_001318831.2); c.5201T>G, p.Val1734Gly (NM_001318832.2); c.5171T>G, p.Val1724Gly (NM_001363528.2); c.5237T>G, p.Val1746Gly (NM_001370404.1); and 2 more; short protein forms V1675G, V1724G, V1734G, V1746G, V1767G, V1546G, V1747G, V1790G.
Identifiers: ClinVar variation 647072 (VCV000647072.16), dbSNP rs1596464243, ClinGen allele CA394315923.

ClinVar aggregate classification (germline): Uncertain significance. Review status: criteria provided, multiple submitters, no conflicts (2 of 4 stars). 3 submissions from 3 submitters: Uncertain significance (3). Last evaluated 2025-12-22.

Conditions:
Tuberous sclerosis 2 (TSC2). Identifiers: Orphanet 805, MedGen C1860707, MONDO:0013199, OMIM 613254.
Hereditary cancer-predisposing syndrome. Also called: Neoplastic Syndromes, Hereditary; Hereditary neoplastic syndrome; Tumor predisposition; Hereditary Cancer Syndrome. Identifiers: Orphanet 140162, MedGen C0027672, MeSH D009386, MONDO:0015356.

Allele frequency attached by ClinVar (database versions not stated): gnomAD exomes below 0.00001.
gnomAD v4.1: 1 of 1,611,394 alleles (0.000062%); highest among the groups gnomAD compares: Non-Finnish European, 0.000085%; no homozygotes.

Submissions (3):

Ambry Genetics
Classification: Uncertain significance for Hereditary cancer-predisposing syndrome. Last evaluated: 2025-12-22. Review status: criteria provided, single submitter. Criteria: Ambry Variant Classification Scheme 2023. Collection method: clinical testing. Allele origin: germline.
Comment: The p.V1790G variant (also known as c.5369T>G), located in coding exon 41 of the TSC2 gene, results from a T to G substitution at nucleotide position 5369. The valine at codon 1790 is replaced by glycine, an amino acid with dissimilar properties. This amino acid position is poorly conserved in available vertebrate species. In addition, the in silico prediction for this alteration is inconclusive. Based on the available evidence, the clinical significance of this variant remains unclear.

Labcorp Genetics (formerly Invitae), Labcorp
Classification: Uncertain significance for Tuberous sclerosis 2. Last evaluated: 2022-11-29. Review status: criteria provided, single submitter. Criteria: Invitae Variant Classification Sherloc (09022015). Collection method: clinical testing. Allele origin: germline.
Comment: In summary, the available evidence is currently insufficient to determine the role of this variant in disease. Therefore, it has been classified as a Variant of Uncertain Significance. Advanced modeling of protein sequence and biophysical properties (such as structural, functional, and spatial information, amino acid conservation, physicochemical variation, residue mobility, and thermodynamic stability) performed at Invitae indicates that this missense variant is not expected to disrupt TSC2 protein function. ClinVar contains an entry for this variant (Variation ID: 647072). This variant has not been reported in the literature in individuals affected with TSC2-related conditions. This variant is not present in population databases (gnomAD no frequency). This sequence change replaces valine, which is neutral and non-polar, with glycine, which is neutral and non-polar, at codon 1790 of the TSC2 protein (p.Val1790Gly).

Genome-Nilou Lab
Classification: Uncertain significance for Tuberous sclerosis 2. Last evaluated: 2021-11-07. Review status: criteria provided, single submitter. Criteria: ACMG Guidelines, 2015. Collection method: clinical testing. Allele origin: germline. Affected: no.